The following is an entry in ClinVar:

NM_004958.4(MTOR):c.6039C>T (p.Ser2013=)

Gene: MTOR (mechanistic target of rapamycin kinase; minus strand). Cytogenetic location: 1p36.22.
Variant type: single nucleotide variant.
Coding change: c.6039C>T on transcript NM_004958.4 (MANE Select); coding-DNA position 6039, C replaced by T.
Protein change: p.Ser2013=; no amino-acid change (serine 2013 retained).
Molecular consequence: synonymous variant.
Genome position (GRCh38, 1-based): chr1:11,127,801, G>A on the plus strand (C>T on the coding strand, the complement: MTOR is on the minus strand). VCF-style: chr1-11127801-G-A. GRCh37 (hg19) VCF-style: chr1-11187858-G-A.
Other names: c.6039C>T, p.Ser2013= (NM_001386500.1); c.4791C>T, p.Ser1597= (NM_001386501.1).
Identifiers: ClinVar variation 2045926 (VCV002045926.28), dbSNP rs145465368, ClinGen allele CA589173.

ClinVar aggregate classification (germline): Likely benign. Review status: criteria provided, multiple submitters, no conflicts (2 of 4 stars). 2 submissions from 2 submitters: Likely benign (2). Last evaluated 2023-08-01.

Allele frequency attached by ClinVar (database versions not stated): ExAC 0.00001; gnomAD 0.00002; TOPMed 0.00002; gnomAD exomes 0.00003; ESP Exome Variant Server 0.00008.
gnomAD v4.1: 47 of 1,611,470 alleles (0.0029%); highest among the groups gnomAD compares: Non-Finnish European, 0.0036%; no homozygotes.

Submissions (2):

CeGaT Center for Human Genetics Tuebingen
Classification: Likely benign. Last evaluated: 2023-08-01. Review status: criteria provided, single submitter. Criteria: CeGaT Center For Human Genetics Tuebingen Variant Classification Criteria Version 2. Collection method: clinical testing. Allele origin: germline. Affected: yes. Observed: 1 variant allele.
Comment: MTOR: BP4, BP7

Labcorp Genetics (formerly Invitae), Labcorp
Classification: Likely benign. Last evaluated: 2023-03-21. Review status: criteria provided, single submitter. Criteria: Invitae Variant Classification Sherloc (09022015). Collection method: clinical testing. Allele origin: germline.